The following is an entry in ClinVar:

ClinVar aggregate classification (germline): Uncertain significance. Review status: criteria provided, multiple submitters, no conflicts (2 of 4 stars). 3 submissions from 3 submitters: Uncertain significance (3). Last evaluated 2025-12-01.

Conditions:
Congenital myotonia, autosomal dominant form (THD). Also called: THOMSEN DISEASE; Myotonia congenita autosomal dominant. Identifiers: Orphanet 614, MedGen C2936781, MONDO:0008055, OMIM 160800.
Congenital myotonia, autosomal recessive form. Also called: BECKER DISEASE; Becker Generalized Myotonia; myotonia congenita, autosomal recessive. Identifiers: Orphanet 614, MedGen C0751360, MONDO:0009715, OMIM 255700.

Allele frequency attached by ClinVar (database versions not stated): ExAC 0.00001; gnomAD 0.00001; gnomAD exomes 0.00001; TOPMed 0.00002.
gnomAD v4.1: 18 of 1,612,942 alleles (0.0011%); highest among the groups gnomAD compares: Middle Eastern, 0.016%; no homozygotes.

Submissions (3):

Labcorp Genetics (formerly Invitae), Labcorp
Classification: Uncertain significance for Congenital myotonia, autosomal recessive form; Congenital myotonia, autosomal dominant form. Last evaluated: 2025-12-01. Review status: criteria provided, single submitter. Criteria: Invitae Variant Classification Sherloc (09022015). Collection method: clinical testing. Allele origin: germline.
Comment: This sequence change replaces valine, which is neutral and non-polar, with isoleucine, which is neutral and non-polar, at codon 56 of the CLCN1 protein (p.Val56Ile). This variant is present in population databases (rs202120426, gnomAD 0.004%). This variant has not been reported in the literature in individuals affected with CLCN1-related conditions. ClinVar contains an entry for this variant (Variation ID: 585684). Invitae Evidence Modeling of protein sequence and biophysical properties (such as structural, functional, and spatial information, amino acid conservation, physicochemical variation, residue mobility, and thermodynamic stability) indicates that this missense variant is not expected to disrupt CLCN1 protein function with a negative predictive value of 95%. In summary, the available evidence is currently insufficient to determine the role of this variant in disease. Therefore, it has been classified as a Variant of Uncertain Significance.

Revvity Omics, Revvity
Classification: Uncertain significance. Last evaluated: 2019-08-19. Review status: criteria provided, single submitter. Criteria: ACMG Guidelines, 2015. Collection method: clinical testing. Allele origin: germline.

Athena Diagnostics
Classification: Uncertain significance. Last evaluated: 2017-11-16. Review status: criteria provided, single submitter. Criteria: Athena Diagnostics Criteria. Collection method: clinical testing. Allele origin: germline.

NM_000083.3(CLCN1):c.166G>A (p.Val56Ile)

Gene: CLCN1 (chloride voltage-gated channel 1; plus strand). Cytogenetic location: 7q34.
Variant type: single nucleotide variant.
Coding change: c.166G>A on transcript NM_000083.3 (MANE Select); coding-DNA position 166, G replaced by A.
Protein change: p.Val56Ile; replaces valine 56 with isoleucine.
Molecular consequence: missense variant. On other transcripts: non-coding transcript variant (1).
Genome position (GRCh38, 1-based): chr7:143,316,378, G>A. VCF-style: chr7-143316378-G-A. GRCh37 (hg19) VCF-style: chr7-143013471-G-A.
Other names: short protein forms V56I.
Identifiers: ClinVar variation 585684 (VCV000585684.10), dbSNP rs202120426, ClinGen allele CA4536842.
Genomic context (GRCh38, chr7:143,316,378, plus strand): 5'-CCCTCTGAGAATGGGGGCCTCCAGCACAGGCTCCGGAAGGATGCAGGCCCCCGCCACAAC[G>A]TCCACCCCACACAGGTAAAGTGCTCTAAGGGGAGAGGGGAGCCATGGATGAGGGGAGACA-3'
Protein context (NP_000074.3, residues 46-66): LRKDAGPRHN[Val56Ile]HPTQIYGHHK